The following is an entry in ClinVar:

ClinVar aggregate classification (germline): Uncertain significance. Review status: criteria provided, multiple submitters, no conflicts (2 of 4 stars). 2 submissions from 2 submitters: Uncertain significance (2). Last evaluated 2026-07-02.

Conditions:
POLG2-related disorder. Also called: POLG2-related condition; POLG2-related disorders.

gnomAD v4.1: 1 of 1,613,854 alleles (0.000062%); highest among the groups gnomAD compares: African/African-American, 0.0013%; no homozygotes.

Submissions (2):

PreventionGenetics, part of Exact Sciences
Classification: Uncertain significance for POLG2-related condition. Last evaluated: 2026-07-02. Review status: criteria provided, single submitter. Criteria: ACMG Guidelines, 2015. Collection method: clinical testing. Allele origin: germline.
Comment: The POLG2 c.864A>C variant is predicted to result in the amino acid substitution p.Lys288Asn. To our knowledge, this variant has not been reported in the literature. This variant is reported in 0.0062% of alleles in individuals of African descent in gnomAD. At this time, the clinical significance of this variant is uncertain due to the absence of conclusive functional and genetic evidence.

Labcorp Genetics (formerly Invitae), Labcorp
Classification: Uncertain significance. Last evaluated: 2024-10-19. Review status: criteria provided, single submitter. Criteria: Invitae Variant Classification Sherloc (09022015). Collection method: clinical testing. Allele origin: germline.
Comment: This sequence change replaces lysine, which is basic and polar, with asparagine, which is neutral and polar, at codon 288 of the POLG2 protein (p.Lys288Asn). This variant is not present in population databases (gnomAD no frequency). This variant has not been reported in the literature in individuals affected with POLG2-related conditions. An algorithm developed to predict the effect of missense changes on protein structure and function (PolyPhen-2) suggests that this variant is likely to be tolerated. In summary, the available evidence is currently insufficient to determine the role of this variant in disease. Therefore, it has been classified as a Variant of Uncertain Significance.

NM_007215.4(POLG2):c.864A>C (p.Lys288Asn)

Genes: MILR1 (mast cell immunoglobulin like receptor 1; plus strand), POLG2 (DNA polymerase gamma 2, accessory subunit; minus strand). Cytogenetic location: 17q23.3.
Variant type: single nucleotide variant.
Coding change: c.864A>C on transcript NM_007215.4 (MANE Select); coding-DNA position 864, A replaced by C.
Protein change: p.Lys288Asn; replaces lysine 288 with asparagine.
Molecular consequence: missense variant.
Genome position (GRCh38, 1-based): chr17:64,490,901, T>G on the plus strand (A>C on the coding strand, the complement: POLG2 is on the minus strand). VCF-style: chr17-64490901-T-G. GRCh37 (hg19) VCF-style: chr17-62487018-T-G.
Other names: c.864A>C (NM_007215.3); short protein forms K288N.
Identifiers: ClinVar variation 3708851 (VCV003708851.3).